The following is an entry in ClinVar:

NM_000298.6(PKLR):c.522A>T (p.Glu174Asp)

Gene: PKLR (pyruvate kinase L/R; minus strand). Cytogenetic location: 1q22.
Variant type: single nucleotide variant.
Coding change: c.522A>T on transcript NM_000298.6 (MANE Select); coding-DNA position 522, A replaced by T.
Protein change: p.Glu174Asp; replaces glutamic acid 174 with aspartic acid.
Molecular consequence: missense variant.
Genome position (GRCh38, 1-based): chr1:155,295,288, T>A on the plus strand (A>T on the coding strand, the complement: PKLR is on the minus strand). VCF-style: chr1-155295288-T-A. GRCh37 (hg19) VCF-style: chr1-155265079-T-A.
Other names: c.429A>T, p.Glu143Asp (NM_181871.4); short protein forms E143D, E174D.
Identifiers: ClinVar variation 4997693 (VCV004997693.1).

ClinVar aggregate classification (germline): Uncertain significance (1 of 4 stars; one submission).

Conditions:
PKLR-related disorder. Also called: PKLR-related condition.

Submission:

PreventionGenetics, part of Exact Sciences
Classification: Uncertain significance for PKLR-related condition. Last evaluated: 2024-11-15. Review status: criteria provided, single submitter. Criteria: ACMG Guidelines, 2015. Collection method: clinical testing. Allele origin: germline.
Comment: The PKLR c.522A>T variant is predicted to result in the amino acid substitution p.Glu174Asp. To our knowledge, this variant has not been reported in the literature or in a large population database (gnomAD), indicating this variant is rare. At this time, the clinical significance of this variant is uncertain due to the absence of conclusive functional and genetic evidence.